The following is an entry in ClinVar:

NM_003331.5(TYK2):c.655T>C (p.Phe219Leu)

Gene: TYK2 (tyrosine kinase 2; minus strand). Cytogenetic location: 19p13.2.
Variant type: single nucleotide variant.
Coding change: c.655T>C on transcript NM_003331.5 (MANE Select); coding-DNA position 655, T replaced by C.
Protein change: p.Phe219Leu; replaces phenylalanine 219 with leucine.
Molecular consequence: missense variant. On other transcripts: intron variant (1).
Genome position (GRCh38, 1-based): chr19:10,365,873, A>G on the plus strand (T>C on the coding strand, the complement: TYK2 is on the minus strand). VCF-style: chr19-10365873-A-G. GRCh37 (hg19) VCF-style: chr19-10476549-A-G.
Other names: c.655T>C, p.Phe219Leu (NM_001385197.1, NM_001385198.1, NM_001385199.1 and 8 more transcripts); c.630-65T>C (NM_001385205.1); short protein forms F219L.
Identifiers: ClinVar variation 2201072 (VCV002201072.3), dbSNP rs1450696759, ClinGen allele CA404017387.

ClinVar aggregate classification (germline): Uncertain significance (1 of 4 stars; one submission).

Conditions:
Immunodeficiency 35 (IMD35). Also called: TYK2 DEFICIENCY; Susceptibility to infection due to TYK2 deficiency; HIES WITH ATYPICAL MYCOBACTERIOSIS, AUTOSOMAL RECESSIVE; HYPER-IgE SYNDROME WITH ATYPICAL MYCOBACTERIOSIS, AUTOSOMAL RECESSIVE. Identifiers: Orphanet 331226, MedGen C1969086, MONDO:0012682, OMIM 611521.

Allele frequency attached by ClinVar (database versions not stated): TOPMed below 0.00001; gnomAD 0.00001; gnomAD exomes 0.00001.
gnomAD v4.1: 12 of 1,611,550 alleles (0.00074%); highest among the groups gnomAD compares: Non-Finnish European, 0.001%; no homozygotes.

Submission:

Labcorp Genetics (formerly Invitae), Labcorp
Classification: Uncertain significance for Immunodeficiency 35. Last evaluated: 2021-12-20. Review status: criteria provided, single submitter. Criteria: Invitae Variant Classification Sherloc (09022015). Collection method: clinical testing. Allele origin: germline.
Comment: In summary, the available evidence is currently insufficient to determine the role of this variant in disease. Therefore, it has been classified as a Variant of Uncertain Significance. Algorithms developed to predict the effect of missense changes on protein structure and function are either unavailable or do not agree on the potential impact of this missense change (SIFT: "Not Available"; PolyPhen-2: "Possibly Damaging"; Align-GVGD: "Not Available"). This variant has not been reported in the literature in individuals affected with TYK2-related conditions. This variant is present in population databases (no rsID available, gnomAD 0.0009%). This sequence change replaces phenylalanine, which is neutral and non-polar, with leucine, which is neutral and non-polar, at codon 219 of the TYK2 protein (p.Phe219Leu).